The following is an entry in ClinVar:

ClinVar aggregate classification (germline): Benign. Review status: criteria provided, multiple submitters, no conflicts (2 of 4 stars). 3 submissions from 3 submitters: Benign (2). 1 of the submissions does not count toward it. Last evaluated 2026-02-02.

Conditions:
ARHGEF18-related disorder. Also called: ARHGEF18-related condition.

Allele frequency attached by ClinVar (database versions not stated): ExAC 0.01729; gnomAD 0.04603 and 0.04895; TOPMed 0.05092; gnomAD exomes 0.00443 and 0.01052; ESP Exome Variant Server 0.04577; 1000 Genomes Project 0.04892; 1000 Genomes Project 30x 0.05403.
gnomAD v4.1: 13,421 of 1,551,648 alleles (0.86%); highest among the groups gnomAD compares: African/African-American, 16%; 955 homozygotes.

Submissions (3):

Labcorp Genetics (formerly Invitae), Labcorp
Classification: Benign. Last evaluated: 2026-02-02. Review status: criteria provided, single submitter. Criteria: Invitae Variant Classification Sherloc (09022015). Collection method: clinical testing. Allele origin: germline.

Breakthrough Genomics
Classification: Benign. Review status: criteria provided, single submitter. Criteria: ACMG Guidelines, 2015. Collection method: not provided. Allele origin: germline. Inheritance: Autosomal recessive inheritance. Affected: yes.

PreventionGenetics, part of Exact Sciences
Classification: Benign for ARHGEF18-related condition. Last evaluated: 2019-06-03. Review status: no assertion criteria provided. Collection method: clinical testing. Allele origin: germline. Not counted in ClinVar's aggregate classification.
Comment: This variant is classified as benign based on ACMG/AMP sequence variant interpretation guidelines (Richards et al. 2015 PMID: 25741868, with internal and published modifications).

NM_001367823.1(ARHGEF18):c.968-131G>A

Gene: ARHGEF18 (Rho/Rac guanine nucleotide exchange factor 18; plus strand). Cytogenetic location: 19p13.2.
Variant type: single nucleotide variant.
Coding change: c.968-131G>A on transcript NM_001367823.1 (MANE Select); 131 bases into the intron before coding-DNA position 968, G replaced by A.
Molecular consequence: intron variant. On other transcripts: synonymous variant (1), 5 prime UTR variant (1).
Genome position (GRCh38, 1-based): chr19:7,440,213, G>A. VCF-style: chr19-7440213-G-A. GRCh37 (hg19) VCF-style: chr19-7505099-G-A.
Other names: c.111G>A, p.Leu37= (NM_001130955.2); c.-202G>A (NM_001367824.1); c.-71-131G>A (NM_015318.4); c.273G>A (NM_001130955.1).
Identifiers: ClinVar variation 1168774 (VCV001168774.12), dbSNP rs11878742, ClinGen allele CA9136279.